The following is an entry in ClinVar:

NM_006767.4(LZTR1):c.46del (p.Leu16fs)

Genes: LZTR1 (leucine zipper like post translational regulator 1; plus strand), LOC130067016 (ATAC-STARR-seq lymphoblastoid silent region 13504; plus strand). Cytogenetic location: 22q11.21.
Variant type: Deletion.
Coding change: c.46del on transcript NM_006767.4 (MANE Select); coding-DNA position 46, one base deleted (C; older notation c.46delC).
Protein change: p.Leu16fs; shifts the reading frame from leucine 16.
Molecular consequence: frameshift variant.
Genome position (GRCh38, 1-based): chr22:20,982,417, C deleted; the last of 3 consecutive C bases (chr22:20,982,415-20,982,417); deleting any one gives the same sequence. VCF-style (leftmost placement, unchanged base first): chr22-20982414-GC-G. GRCh37 (hg19) VCF-style: chr22-21336703-GC-G.
Other names: short protein forms L16fs.
Identifiers: ClinVar variation 1434382 (VCV001434382.8), dbSNP rs35574094, ClinGen allele CA2573157718.

ClinVar aggregate classification (germline): Pathogenic/Likely pathogenic. Review status: criteria provided, multiple submitters, no conflicts (2 of 4 stars). 2 submissions from 2 submitters: Pathogenic (1); Likely pathogenic (1). Last evaluated 2026-01-13.

Conditions:
LZTR1-related schwannomatosis. Also called: Schwannomatosis-2, susceptibility to; Schwannomatosis 2. Identifiers: Orphanet 93921, MedGen C3810283, MONDO:0014299, OMIM 615670.

Submissions (2):

Labcorp Genetics (formerly Invitae), Labcorp
Classification: Pathogenic. Last evaluated: 2026-01-13. Review status: criteria provided, single submitter. Criteria: Invitae Variant Classification Sherloc (09022015). Collection method: clinical testing. Allele origin: germline.
Comment: This sequence change creates a premature translational stop signal (p.Leu16Trpfs*9) in the LZTR1 gene. It is expected to result in an absent or disrupted protein product. Loss-of-function variants in LZTR1 are known to be pathogenic (PMID: 24362817, 25335493, 25480913, 25795793, 29469822, 30368668, 30442762, 30442766, 30481304, 30859559). This variant is not present in population databases (gnomAD no frequency). This variant has not been reported in the literature in individuals affected with LZTR1-related conditions. ClinVar contains an entry for this variant (Variation ID: 1434382). For these reasons, this variant has been classified as Pathogenic.

Baylor Genetics
Classification: Likely pathogenic for LZTR1-related schwannomatosis. Last evaluated: 2024-03-05. Review status: criteria provided, single submitter. Criteria: ACMG Guidelines, 2015. Collection method: clinical testing. Allele origin: unknown.

Literature cited by the submitters: PubMed 24362817 (cited by Labcorp Genetics (formerly Invitae), Labcorp); PubMed 25335493 (cited by Labcorp Genetics (formerly Invitae), Labcorp); PubMed 25480913 (cited by Labcorp Genetics (formerly Invitae), Labcorp); PubMed 25795793 (cited by Labcorp Genetics (formerly Invitae), Labcorp); PubMed 29469822 (cited by Labcorp Genetics (formerly Invitae), Labcorp); PubMed 30368668 (cited by Labcorp Genetics (formerly Invitae), Labcorp); PubMed 30442762 (cited by Labcorp Genetics (formerly Invitae), Labcorp); PubMed 30442766 (cited by Labcorp Genetics (formerly Invitae), Labcorp); PubMed 30481304 (cited by Labcorp Genetics (formerly Invitae), Labcorp); PubMed 30859559 (cited by Labcorp Genetics (formerly Invitae), Labcorp).